The following is an entry in ClinVar:

NM_004924.6(ACTN4):c.2641G>A (p.Ala881Thr)

Gene: ACTN4 (actinin alpha 4; plus strand). Cytogenetic location: 19q13.2.
Variant type: single nucleotide variant.
Coding change: c.2641G>A on transcript NM_004924.6 (MANE Select); coding-DNA position 2641, G replaced by A.
Protein change: p.Ala881Thr; replaces alanine 881 with threonine.
Molecular consequence: missense variant.
Genome position (GRCh38, 1-based): chr19:38,729,337, G>A. VCF-style: chr19-38729337-G-A. GRCh37 (hg19) VCF-style: chr19-39219977-G-A.
Other names: c.2626G>A, p.Ala876Thr (NM_001322033.2); short protein forms A881T, A876T.
Identifiers: ClinVar variation 383178 (VCV000383178.4), dbSNP rs148628123, ClinGen allele CA9418125.

ClinVar aggregate classification (germline): Uncertain significance. Review status: criteria provided, multiple submitters, no conflicts (2 of 4 stars). 3 submissions from 3 submitters: Uncertain significance (3). Last evaluated 2025-12-10.

Conditions:
Focal segmental glomerulosclerosis 1 (FSGS1). Identifiers: Orphanet 656, MedGen C4551527, MONDO:0011303, OMIM 603278.

Allele frequency attached by ClinVar (database versions not stated): TOPMed 0.00013; ExAC 0.00014; gnomAD 0.00014 and 0.00015; ESP Exome Variant Server 0.00015; gnomAD exomes 0.00015.
gnomAD v4.1: 390 of 1,612,756 alleles (0.024%); highest among the groups gnomAD compares: Non-Finnish European, 0.031%; 1 homozygote.

Submissions (3):

Labcorp Genetics (formerly Invitae), Labcorp
Classification: Uncertain significance. Last evaluated: 2025-12-10. Review status: criteria provided, single submitter. Criteria: Invitae Variant Classification Sherloc (09022015). Collection method: clinical testing. Allele origin: germline.
Comment: This sequence change replaces alanine, which is neutral and non-polar, with threonine, which is neutral and polar, at codon 881 of the ACTN4 protein (p.Ala881Thr). This variant is present in population databases (rs148628123, gnomAD 0.03%), and has an allele count higher than expected for a pathogenic variant. This variant has not been reported in the literature in individuals affected with ACTN4-related conditions. ClinVar contains an entry for this variant (Variation ID: 383178). An algorithm developed to predict the effect of missense changes on protein structure and function (PolyPhen-2) suggests that this variant is likely to be disruptive. In summary, the available evidence is currently insufficient to determine the role of this variant in disease. Therefore, it has been classified as a Variant of Uncertain Significance.

Fulgent Genetics
Classification: Uncertain significance for Focal segmental glomerulosclerosis 1. Last evaluated: 2022-04-27. Review status: criteria provided, single submitter. Criteria: ACMG Guidelines, 2015. Collection method: clinical testing. Allele origin: unknown.

GeneDx
Classification: Uncertain significance. Last evaluated: 2016-01-28. Review status: criteria provided, single submitter. Criteria: GeneDx Variant Classification (06012015). Collection method: clinical testing. Allele origin: germline. Affected: yes.
Comment: The A881T variant in the ACTN4 gene has not been reported previously as a pathogenic variant, nor as a benign variant, to our knowledge. The A881T variant was not observed at any significant frequency in approximately 6,500 individuals of European and African American ancestry in the NHLBI Exome Sequencing Project, indicating it is not a common benign variant in these populations. The A881T variant is a non-conservative amino acid substitution, which is likely to impact secondary protein structure as these residues differ in polarity, charge, size and/or other properties. This substitution occurs at a position that is conserved across species. In silico analysis is inconsistent in its predictions as to whether or not the variant is damaging to the protein structure/function. We interpret A881T as a variant of uncertain significance.